The following is an entry in ClinVar:

ClinVar aggregate classification (germline): Uncertain significance (1 of 4 stars; one submission).

Allele frequency attached by ClinVar (database versions not stated): gnomAD 0.00001; TOPMed 0.00001; gnomAD exomes 0.00002 and 0.00003; ExAC 0.00003; ESP Exome Variant Server 0.00008.
gnomAD v4.1: 40 of 1,613,004 alleles (0.0025%); highest among the groups gnomAD compares: Non-Finnish European, 0.0034%; no homozygotes.

Submission:

Labcorp Genetics (formerly Invitae), Labcorp
Classification: Uncertain significance. Last evaluated: 2024-11-18. Review status: criteria provided, single submitter. Criteria: Invitae Variant Classification Sherloc (09022015). Collection method: clinical testing. Allele origin: germline.
Comment: This sequence change replaces glycine, which is neutral and non-polar, with serine, which is neutral and polar, at codon 292 of the KCNV2 protein (p.Gly292Ser). This variant is present in population databases (rs142521710, gnomAD 0.006%). This missense change has been observed in individual(s) with clinical features of cone dysfunction (PMID: 21882291). ClinVar contains an entry for this variant (Variation ID: 1023250). Invitae Evidence Modeling of protein sequence and biophysical properties (such as structural, functional, and spatial information, amino acid conservation, physicochemical variation, residue mobility, and thermodynamic stability) indicates that this missense variant is not expected to disrupt KCNV2 protein function with a negative predictive value of 95%. In summary, the available evidence is currently insufficient to determine the role of this variant in disease. Therefore, it has been classified as a Variant of Uncertain Significance.

Literature cited by the submitters: PubMed 21882291.

NM_133497.4(KCNV2):c.874G>A (p.Gly292Ser)

Gene: KCNV2 (potassium voltage-gated channel modifier subfamily V member 2; plus strand). Cytogenetic location: 9p24.2.
Variant type: single nucleotide variant.
Coding change: c.874G>A on transcript NM_133497.4 (MANE Select); coding-DNA position 874, G replaced by A.
Protein change: p.Gly292Ser; replaces glycine 292 with serine.
Molecular consequence: missense variant.
Genome position (GRCh38, 1-based): chr9:2,718,613, G>A. VCF-style: chr9-2718613-G-A. GRCh37 (hg19) VCF-style: chr9-2718613-G-A.
Other names: short protein forms G292S.
Identifiers: ClinVar variation 1023250 (VCV001023250.7), dbSNP rs142521710, ClinGen allele CA4965659.